The following is an entry in ClinVar:

NM_001378778.1(MPDZ):c.1085G>C (p.Arg362Pro)

Gene: MPDZ (multiple PDZ domain crumbs cell polarity complex component; minus strand). Cytogenetic location: 9p23.
Variant type: single nucleotide variant.
Coding change: c.1085G>C on transcript NM_001378778.1 (MANE Select); coding-DNA position 1085, G replaced by C.
Protein change: p.Arg362Pro; replaces arginine 362 with proline.
Molecular consequence: missense variant.
Genome position (GRCh38, 1-based): chr9:13,219,560, C>G on the plus strand (G>C on the coding strand, the complement: MPDZ is on the minus strand). VCF-style: chr9-13219560-C-G. GRCh37 (hg19) VCF-style: chr9-13219559-C-G.
Other names: c.1085G>C, p.Arg362Pro (NM_001261406.2, NM_001261407.2, NM_001330637.2 and 14 more transcripts); c.1085G>C (NM_003829.3); short protein forms R362P.
Identifiers: ClinVar variation 1518208 (VCV001518208.7), dbSNP rs777349702, ClinGen allele CA4987917.

ClinVar aggregate classification (germline): Uncertain significance. Review status: criteria provided, multiple submitters, no conflicts (2 of 4 stars). 2 submissions from 2 submitters: Uncertain significance (2). Last evaluated 2024-12-23.

Conditions:
Inborn genetic diseases. Identifiers: MedGen C0950123, MeSH D030342.

gnomAD v4.1: 90 of 1,610,948 alleles (0.0056%); highest among the groups gnomAD compares: Non-Finnish European, 0.0073%; no homozygotes.

Submissions (2):

Ambry Genetics
Classification: Uncertain significance for Inborn genetic diseases. Last evaluated: 2024-12-23. Review status: criteria provided, single submitter. Criteria: Ambry Variant Classification Scheme 2023. Collection method: clinical testing. Allele origin: germline.

Labcorp Genetics (formerly Invitae), Labcorp
Classification: Uncertain significance. Last evaluated: 2022-03-15. Review status: criteria provided, single submitter. Criteria: Invitae Variant Classification Sherloc (09022015). Collection method: clinical testing. Allele origin: germline.
Comment: This sequence change replaces arginine, which is basic and polar, with proline, which is neutral and non-polar, at codon 362 of the MPDZ protein (p.Arg362Pro). This variant is present in population databases (rs777349702, gnomAD 0.006%). This variant has not been reported in the literature in individuals affected with MPDZ-related conditions. Algorithms developed to predict the effect of missense changes on protein structure and function (SIFT, PolyPhen-2, Align-GVGD) all suggest that this variant is likely to be tolerated. In summary, the available evidence is currently insufficient to determine the role of this variant in disease. Therefore, it has been classified as a Variant of Uncertain Significance.